The following is an entry in ClinVar:

NM_001363711.2(DUOX2):c.3096G>C (p.Lys1032Asn)

Gene: DUOX2 (dual oxidase 2; minus strand). Cytogenetic location: 15q21.1.
Variant type: single nucleotide variant.
Coding change: c.3096G>C on transcript NM_001363711.2 (MANE Select); coding-DNA position 3096, G replaced by C.
Protein change: p.Lys1032Asn; replaces lysine 1032 with asparagine.
Molecular consequence: missense variant.
Genome position (GRCh38, 1-based): chr15:45,100,138, C>G on the plus strand (G>C on the coding strand, the complement: DUOX2 is on the minus strand). VCF-style: chr15-45100138-C-G. GRCh37 (hg19) VCF-style: chr15-45392336-C-G.
Other names: c.3096G>C, p.Lys1032Asn (NM_014080.5); short protein forms K1032N.
Identifiers: ClinVar variation 2736203 (VCV002736203.3), dbSNP rs1446478334, ClinGen allele CA392263717.

ClinVar aggregate classification (germline): Uncertain significance (1 of 4 stars; one submission).

Allele frequency attached by ClinVar (database versions not stated): TOPMed below 0.00001; gnomAD 0.00001.
gnomAD v4.1: 20 of 1,614,116 alleles (0.0012%); highest among the groups gnomAD compares: East Asian, 0.042%; no homozygotes.

Submission:

Labcorp Genetics (formerly Invitae), Labcorp
Classification: Uncertain significance. Last evaluated: 2023-10-09. Review status: criteria provided, single submitter. Criteria: Invitae Variant Classification Sherloc (09022015). Collection method: clinical testing. Allele origin: germline.
Comment: This sequence change replaces lysine, which is basic and polar, with asparagine, which is neutral and polar, at codon 1032 of the DUOX2 protein (p.Lys1032Asn). This variant is not present in population databases (gnomAD no frequency). This missense change has been observed in individual(s) with DUOX2-related conditions (PMID: 26742565). Advanced modeling of protein sequence and biophysical properties (such as structural, functional, and spatial information, amino acid conservation, physicochemical variation, residue mobility, and thermodynamic stability) performed at Invitae indicates that this missense variant is expected to disrupt DUOX2 protein function. In summary, the available evidence is currently insufficient to determine the role of this variant in disease. Therefore, it has been classified as a Variant of Uncertain Significance.

Literature cited by the submitters: PubMed 26742565.